The following is an entry in ClinVar:

ClinVar aggregate classification (germline): Uncertain significance (1 of 4 stars; one submission).

Conditions:
Cardiomyopathy (CMYO). Also called: Cardiomyopathies. Identifiers: Orphanet 167848, MedGen C0878544, MONDO:0004994, HP:0001638. Inheritance: Various modes of inheritance.

Allele frequency attached by ClinVar (database versions not stated): gnomAD exomes below 0.00001.

Submission:

Color Diagnostics, LLC DBA Color Health
Classification: Uncertain significance for Cardiomyopathy. Last evaluated: 2024-03-06. Review status: criteria provided, single submitter. Criteria: ACMG Guidelines, 2015. Collection method: clinical testing. Allele origin: germline.
Comment: This missense variant replaces lysine with asparagine at codon 261 of the lamin A/C proteins. Computational prediction suggests that this variant may not impact protein structure and function (internally defined REVEL score threshold <= 0.5, PMID: 27666373). To our knowledge, functional studies have not been reported for this variant. This variant has not been reported in individuals affected with cardiovascular disorders in the literature. This variant has not been identified in the general population by the Genome Aggregation Database (gnomAD). The available evidence is insufficient to determine the role of this variant in disease conclusively. Therefore, this variant is classified as a Variant of Uncertain Significance.

NM_170707.4(LMNA):c.783G>C (p.Lys261Asn)

Gene: LMNA (lamin A/C; plus strand). Cytogenetic location: 1q22.
Variant type: single nucleotide variant.
Coding change: c.783G>C on transcript NM_170707.4 (MANE Select); coding-DNA position 783, G replaced by C.
Protein change: p.Lys261Asn; replaces lysine 261 with asparagine.
Molecular consequence: missense variant.
Genome position (GRCh38, 1-based): chr1:156,134,948, G>C. VCF-style: chr1-156134948-G-C. GRCh37 (hg19) VCF-style: chr1-156104739-G-C.
Other names: c.447G>C, p.Lys149Asn (NM_001257374.3); c.540G>C, p.Lys180Asn (NM_001282624.2); c.783G>C, p.Lys261Asn (NM_001282625.2, NM_001282626.2, NM_005572.4 and 1 more transcripts); short protein forms K149N, K180N, K261N.
Identifiers: ClinVar variation 1332437 (VCV001332437.3), dbSNP rs2102881882, ClinGen allele CA342817399.